The following is an entry in ClinVar:

ClinVar aggregate classification (germline): Pathogenic (1 of 4 stars; one submission).

Conditions:
Niemann-Pick disease, type C1. Also called: NIEMANN-PICK DISEASE, VARIANT TYPE C1; NEUROVISCERAL STORAGE DISEASE WITH VERTICAL SUPRANUCLEAR OPHTHALMOPLEGIA; NIEMANN-PICK DISEASE WITH CHOLESTEROL ESTERIFICATION BLOCK; NIEMANN-PICK DISEASE WITHOUT SPHINGOMYELINASE DEFICIENCY; NIEMANN-PICK DISEASE, CHRONIC NEURONOPATHIC FORM. Identifiers: Orphanet 646, MedGen C3179455, MONDO:0009757, OMIM 257220.

Allele frequency attached by ClinVar (database versions not stated): gnomAD exomes below 0.00001.
gnomAD v4.1: 2 of 1,614,096 alleles (0.00012%); highest among the groups gnomAD compares: Non-Finnish European, 0.00017%; no homozygotes.

Submission:

Labcorp Genetics (formerly Invitae), Labcorp
Classification: Pathogenic for Niemann-Pick disease, type C1. Last evaluated: 2022-09-14. Review status: criteria provided, single submitter. Criteria: Invitae Variant Classification Sherloc (09022015). Collection method: clinical testing. Allele origin: germline.
Comment: For these reasons, this variant has been classified as Pathogenic. Advanced modeling of protein sequence and biophysical properties (such as structural, functional, and spatial information, amino acid conservation, physicochemical variation, residue mobility, and thermodynamic stability) performed at Invitae indicates that this missense variant is expected to disrupt NPC1 protein function. ClinVar contains an entry for this variant (Variation ID: 1412395). This missense change has been observed in individuals with Niemann-Pick disease type C (PMID: 25236789, 26981555). This variant is not present in population databases (gnomAD no frequency). This sequence change replaces glycine, which is neutral and non-polar, with glutamic acid, which is acidic and polar, at codon 343 of the NPC1 protein (p.Gly343Glu).

Literature cited by the submitters: PubMed 25236789; PubMed 26981555.

NM_000271.5(NPC1):c.1028G>A (p.Gly343Glu)

Gene: NPC1 (NPC intracellular cholesterol transporter 1; minus strand). Cytogenetic location: 18q11.2.
Variant type: single nucleotide variant.
Coding change: c.1028G>A on transcript NM_000271.5 (MANE Select); coding-DNA position 1028, G replaced by A.
Protein change: p.Gly343Glu; replaces glycine 343 with glutamic acid.
Molecular consequence: missense variant.
Genome position (GRCh38, 1-based): chr18:23,556,541, C>T on the plus strand (G>A on the coding strand, the complement: NPC1 is on the minus strand). VCF-style: chr18-23556541-C-T. GRCh37 (hg19) VCF-style: chr18-21136505-C-T.
Other names: short protein forms G343E.
Identifiers: ClinVar variation 1412395 (VCV001412395.6), dbSNP rs1444308532, ClinGen allele CA401778796.